The following is an entry in ClinVar:

ClinVar aggregate classification (germline): Uncertain significance (1 of 4 stars; one submission).

Conditions:
Hereditary cancer-predisposing syndrome. Also called: Neoplastic Syndromes, Hereditary; Tumor predisposition; Hereditary Cancer Syndrome; Hereditary neoplastic syndrome. Identifiers: Orphanet 140162, MedGen C0027672, MeSH D009386, MONDO:0015356.

Submission:

Ambry Genetics
Classification: Uncertain significance for Hereditary cancer-predisposing syndrome. Last evaluated: 2022-05-12. Review status: criteria provided, single submitter. Criteria: Ambry Variant Classification Scheme 2023. Collection method: clinical testing. Allele origin: germline.
Comment: The p.N60K variant (also known as c.180C>A), located in coding exon 2 of the BRCA2 gene, results from a C to A substitution at nucleotide position 180. The asparagine at codon 60 is replaced by lysine, an amino acid with similar properties. This amino acid position is not well conserved in available vertebrate species. In addition, this alteration is predicted to be tolerated by in silico analysis. Since supporting evidence is limited at this time, the clinical significance of this alteration remains unclear.

NM_000059.4(BRCA2):c.180C>A (p.Asn60Lys)

Gene: BRCA2 (BRCA2 DNA repair associated; plus strand). Cytogenetic location: 13q13.1.
Variant type: single nucleotide variant.
Coding change: c.180C>A on transcript NM_000059.4 (MANE Select); coding-DNA position 180, C replaced by A.
Protein change: p.Asn60Lys; replaces asparagine 60 with lysine.
Molecular consequence: missense variant.
Genome position (GRCh38, 1-based): chr13:32,319,189, C>A. VCF-style: chr13-32319189-C-A. GRCh37 (hg19) VCF-style: chr13-32893326-C-A.
Other names: c.180C>A, p.Asn60Lys (NM_001406719.1, NM_001406720.1, NM_001406721.1); c.-190C>A (NM_001406722.1); short protein forms N60K.
Identifiers: ClinVar variation 1780539 (VCV001780539.2), dbSNP rs1131692130, ClinGen allele CA387754344.